The following is an entry in ClinVar:

NM_000195.5(HPS1):c.847G>C (p.Gly283Arg)

Gene: HPS1 (HPS1 biogenesis of lysosomal organelles complex 3 subunit 1; minus strand). Cytogenetic location: 10q24.2.
Variant type: single nucleotide variant.
Coding change: c.847G>C on transcript NM_000195.5 (MANE Select); coding-DNA position 847, G replaced by C.
Protein change: p.Gly283Arg; replaces glycine 283 with arginine.
Molecular consequence: missense variant. On other transcripts: 5 prime UTR variant (1), synonymous variant (1), intron variant (8).
Genome position (GRCh38, 1-based): chr10:98,429,811, C>G on the plus strand (G>C on the coding strand, the complement: HPS1 is on the minus strand). VCF-style: chr10-98429811-C-G. GRCh37 (hg19) VCF-style: chr10-100189568-C-G.
Other names: c.847G>C, p.Gly283Arg (NM_001322476.2, NM_001322477.2, NM_182639.4); c.586G>C, p.Gly196Arg (NM_001322480.2, NM_001322481.2); c.478G>C, p.Gly160Arg (NM_001322483.2, NM_001322484.2); c.-126G>C (NM_001322487.2); c.729G>C, p.Leu243= (NM_001322490.2); c.769-169G>C (NM_001322478.2, NM_001322479.2, NM_001322491.2); c.400-169G>C (NM_001322485.2); c.508-169G>C (NM_001322482.2); and 3 more; short protein forms G160R, G196R, G283R.
Identifiers: ClinVar variation 1188296 (VCV001188296.12), dbSNP rs11592273, ClinGen allele CA5639261.

ClinVar aggregate classification (germline): Conflicting classifications of pathogenicity. Review status: criteria provided, conflicting classifications (1 of 4 stars). 7 submissions from 7 submitters: Uncertain significance (3); Likely benign (3). 1 of the submissions does not count toward it. Last evaluated 2026-09-29.

Conditions:
Hermansky-Pudlak syndrome 1 (HPS1). Also called: DELTA STORAGE POOL DISEASE. Identifiers: Orphanet 231500, Orphanet 79430, MedGen C2931875, MONDO:0008748, OMIM 203300.
HPS1-related disorder. Also called: HPS1-related condition.
Hermansky-Pudlak syndrome (HPS). Also called: ALBINISM WITH HEMORRHAGIC DIATHESIS AND PIGMENTED RETICULOENDOTHELIAL CELLS. Identifiers: Orphanet 79430, MedGen C0079504, MONDO:0019312.

Allele frequency attached by ClinVar (database versions not stated): 1000 Genomes Project 0.00040; 1000 Genomes Project 30x 0.00047.
gnomAD v4.1: 541 of 1,613,816 alleles (0.034%); highest among the groups gnomAD compares: African/African-American, 0.1%; no homozygotes.

Submissions (7):

GeneDx
Classification: Uncertain significance. Last evaluated: 2026-09-29. Review status: criteria provided, single submitter. Criteria: GeneDx Variant Classification Process June 2021. Collection method: clinical testing. Allele origin: germline.
Comment: In silico analysis suggests that this missense variant does not alter protein structure/function; Has not been previously published as pathogenic or benign to our knowledge

PreventionGenetics, part of Exact Sciences
Classification: Uncertain significance for HPS1-related condition. Last evaluated: 2026-07-21. Review status: criteria provided, single submitter. Criteria: ACMG Guidelines, 2015. Collection method: clinical testing. Allele origin: germline.
Comment: The HPS1 c.847G>C variant is predicted to result in the amino acid substitution p.Gly283Arg. To our knowledge, this variant has not been reported in the literature. This variant is reported in 0.095% of alleles in individuals of East Asian descent in gnomAD. Although we suspect that this variant may be benign, at this time, the clinical significance of this variant is uncertain due to the absence of conclusive functional and genetic evidence.

Labcorp Genetics (formerly Invitae), Labcorp
Classification: Likely benign. Last evaluated: 2026-01-06. Review status: criteria provided, single submitter. Criteria: Invitae Variant Classification Sherloc (09022015). Collection method: clinical testing. Allele origin: germline.

Women's Health and Genetics/Laboratory Corporation of America, LabCorp
Classification: Likely benign. Last evaluated: 2025-11-05. Review status: criteria provided, single submitter. Criteria: LabCorp Variant Classification Summary - May 2015. Collection method: clinical testing. Allele origin: germline.
Comment: Variant summary: HPS1 c.847G>C (p.Gly283Arg) results in a non-conservative amino acid change in the encoded protein sequence. Algorithms developed to predict the effect of missense changes on protein structure and function are either unavailable or do not agree on the potential impact of this missense change. The variant allele was found at a frequency of 0.00034 in 1613816 control chromosomes, predominantly at a frequency of 0.001 within the East Asian subpopulation in the gnomAD database. The observed variant frequency within East Asian control individuals in the gnomAD database exceeds the estimated maximal expected allele frequency for disease-causing variants in HPS1. To our knowledge, no occurrence of c.847G>C in individuals affected with HPS1-related conditions and no experimental evidence demonstrating its impact on protein function have been reported. The following publications have been ascertained in the context of this evaluation (PMID: 22183965, 31572438, 24349080). ClinVar contains an entry for this variant (Variation ID: 1188296). Based on the evidence outlined above, the variant was classified as likely benign.

Blueprint Genetics
Classification: Likely benign. Last evaluated: 2024-11-27. Review status: criteria provided, single submitter. Criteria: ACMG Guidelines, 2015. Collection method: clinical testing. Allele origin: germline.

Fulgent Genetics
Classification: Uncertain significance for Hermansky-Pudlak syndrome 1. Last evaluated: 2022-03-04. Review status: criteria provided, single submitter. Criteria: ACMG Guidelines, 2015. Collection method: clinical testing. Allele origin: unknown.

Natera, Inc.
Classification: Uncertain significance for Hermansky-Pudlak syndrome. Last evaluated: 2020-01-24. Review status: no assertion criteria provided. Collection method: clinical testing. Allele origin: germline. Not counted in ClinVar's aggregate classification.

Literature cited by the submitters: PubMed 24349080 (cited by Women's Health and Genetics/Laboratory Corporation of America, LabCorp); PubMed 22183965 (cited by Women's Health and Genetics/Laboratory Corporation of America, LabCorp); PubMed 31572438 (cited by Women's Health and Genetics/Laboratory Corporation of America, LabCorp).